The following is an entry in ClinVar:

NM_000533.5(PLP1):c.5-3598del

Genes: PLP1 (proteolipid protein 1; plus strand), RAB9B (RAB9B, member RAS oncogene family; minus strand). Cytogenetic location: Xq22.2.
Variant type: Deletion.
Coding change: c.5-3598del on transcript NM_000533.5 (MANE Select); 3598 bases into the intron before coding-DNA position 5, one base deleted (G; older notation c.5-3598delG).
Molecular consequence: intron variant.
Genome position (GRCh38, 1-based): chrX:103,781,984, G deleted; the last of 3 consecutive G bases (chrX:103,781,982-103,781,984); deleting any one gives the same sequence. VCF-style (leftmost placement, unchanged base first): chrX-103781981-AG-A. GRCh37 (hg19) VCF-style: chrX-103036909-AG-A.
Other names: c.5-3598del (NM_001128834.3, NM_199478.3); c.5-3763del (NM_001305004.1).
Identifiers: ClinVar variation 691854 (VCV000691854.2), dbSNP rs5903226, ClinGen allele CA334000844.
Genomic context (GRCh38, chrX:103,781,981, plus strand): 5'-ACCAGGAGGGGTTCTGAAATGGAGAGCTTTTGGCTTTAGGCTATTGTTCACACATACCCA[AG>A]GGACATTTCTTGGACTGTGAAAAATCAAAGGGAGCCCAATGGATCTTTTCTCAGAATGCT-3'

ClinVar aggregate classification (germline): Benign (0 of 4 stars; one submission).

Submission:

Lupski Lab, Baylor-Hopkins CMG, Baylor College of Medicine
Classification: Benign. Review status: no assertion criteria provided. Collection method: research. Allele origin: inherited. Affected: yes. Observed: 3 variant alleles.